The following is an entry in ClinVar:

ClinVar aggregate classification (germline): Likely benign (1 of 4 stars; one submission).

Conditions:
SEMA3G-related disorder. Also called: SEMA3G-related condition.

gnomAD v4.1: 6 of 1,578,648 alleles (0.00038%); highest among the groups gnomAD compares: Admixed American, 0.0037%; no homozygotes.

Submission:

PreventionGenetics, part of Exact Sciences
Classification: Likely benign for SEMA3G-related condition. Last evaluated: 2025-03-13. Review status: criteria provided, single submitter. Criteria: ACMG Guidelines, 2015. Collection method: clinical testing. Allele origin: germline.
Comment: This variant is classified as likely benign based on ACMG/AMP sequence variant interpretation guidelines (Richards et al. 2015 PMID: 25741868, with internal and published modifications).

NM_020163.3(SEMA3G):c.480T>C (p.Pro160=)

Gene: SEMA3G (semaphorin 3G; minus strand). Cytogenetic location: 3p21.1.
Variant type: single nucleotide variant.
Coding change: c.480T>C on transcript NM_020163.3 (MANE Select); coding-DNA position 480, T replaced by C.
Protein change: p.Pro160=; no amino-acid change (proline 160 retained).
Molecular consequence: synonymous variant.
Genome position (GRCh38, 1-based): chr3:52,441,889, A>G on the plus strand (T>C on the coding strand, the complement: SEMA3G is on the minus strand). VCF-style: chr3-52441889-A-G. GRCh37 (hg19) VCF-style: chr3-52475905-A-G.
Identifiers: ClinVar variation 4985817 (VCV004985817.1).
Genomic context (GRCh38, chr3:52,441,889, plus strand): 5'-GCTGGCAAAGGGACGGCTGGGCTCGTGAGGGCACCGCCCCCGGCCACTTTCCACACTGCC[A>G]GGCTCCAGGTGGAGCACATGCTAGTGGGAGGGAGAGAGGGAGGGAGGGGCGTCACCTGGG-3'
Protein context (NP_064548.1, residues 150-170): HRGEHVLHLE[Pro160=]GSVESGRGRC